The following is an entry in ClinVar:

ClinVar aggregate classification (germline): Uncertain significance (1 of 4 stars; one submission).

Conditions:
SEMA3B-related disorder. Also called: SEMA3B-related condition.

Submission:

PreventionGenetics, part of Exact Sciences
Classification: Uncertain significance for SEMA3B-related condition. Last evaluated: 2025-04-18. Review status: criteria provided, single submitter. Criteria: ACMG Guidelines, 2015. Collection method: clinical testing. Allele origin: germline.
Comment: The SEMA3B c.1181G>T variant is predicted to result in the amino acid substitution p.Ser394Ile. To our knowledge, this variant has not been reported in the literature or in a large population database, indicating this variant is rare. At this time, the clinical significance of this variant is uncertain due to the absence of conclusive functional and genetic evidence.

NM_001290060.2(SEMA3B):c.1166G>T (p.Ser389Ile)

Gene: SEMA3B (semaphorin 3B; plus strand). Cytogenetic location: 3p21.31.
Variant type: single nucleotide variant.
Coding change: c.1166G>T on transcript NM_001290060.2 (MANE Select); coding-DNA position 1166, G replaced by T.
Protein change: p.Ser389Ile; replaces serine 389 with isoleucine.
Molecular consequence: missense variant. On other transcripts: non-coding transcript variant (1).
Genome position (GRCh38, 1-based): chr3:50,274,391, G>T. VCF-style: chr3-50274391-G-T. GRCh37 (hg19) VCF-style: chr3-50311822-G-T.
Other names: c.1163G>T, p.Ser388Ile (NM_001005914.3); c.1181G>T, p.Ser394Ile (NM_001290061.1); c.137G>T, p.Ser46Ile (NM_001290062.2, NM_001290063.2); c.1166G>T, p.Ser389Ile (NM_004636.4); short protein forms S388I, S389I, S394I, S46I.
Identifiers: ClinVar variation 3344486 (VCV003344486.2).
Genomic context (GRCh38, chr3:50,274,391, plus strand): 5'-CCCTGCTGTGCCTCCCTTTCCCCCACCCCCAGTGCCCCAGCAAGACCTTTGGCACCTTCA[G>T]TTCCACCAAGGACTTCCCAGACGATGTCATCCAGTTTGCGCGGAACCACCCCCTCATGTA-3'
Protein context (NP_001276989.1, residues 379-399): MCPSKTFGTF[Ser389Ile]STKDFPDDVI